The following is an entry in ClinVar:

ClinVar aggregate classification (germline): Likely benign (1 of 4 stars; one submission).

Allele frequency attached by ClinVar (database versions not stated): gnomAD exomes 0.00023; ExAC 0.00070; gnomAD 0.00216; 1000 Genomes Project 0.00260; ESP Exome Variant Server 0.00262; TOPMed 0.00280; 1000 Genomes Project 30x 0.00297.
gnomAD v4.1: 688 of 1,614,212 alleles (0.043%); highest among the groups gnomAD compares: African/African-American, 0.84%; 1 homozygote.

Submission:

CeGaT Center for Human Genetics Tuebingen
Classification: Likely benign. Last evaluated: 2026-04-01. Review status: criteria provided, single submitter. Criteria: CeGaT Center For Human Genetics Tuebingen Variant Classification Criteria Version 2. Collection method: clinical testing. Allele origin: germline. Affected: yes. Observed: 3 variant alleles.
Comment: SHANK2: BP4, BP7, BS1

NM_012309.5(SHANK2):c.5436C>T (p.Ile1812=)

Gene: SHANK2 (SH3 and multiple ankyrin repeat domains 2; minus strand). Cytogenetic location: 11q13.3.
Variant type: single nucleotide variant.
Coding change: c.5436C>T on transcript NM_012309.5 (MANE Select); coding-DNA position 5436, C replaced by T.
Protein change: p.Ile1812=; no amino-acid change (isoleucine 1812 retained).
Molecular consequence: synonymous variant. On other transcripts: non-coding transcript variant (1).
Genome position (GRCh38, 1-based): chr11:70,472,983, G>A on the plus strand (C>T on the coding strand, the complement: SHANK2 is on the minus strand). VCF-style: chr11-70472983-G-A. GRCh37 (hg19) VCF-style: chr11-70319088-G-A.
Other names: c.3672C>T, p.Ile1224= (NM_133266.5); c.4299C>T, p.Ile1433= (NM_001379226.1).
Identifiers: ClinVar variation 2642068 (VCV002642068.24), dbSNP rs12285645, ClinGen allele CA6160708.